The following is an entry in ClinVar:

NM_016151.4(TAOK2):c.2919_2924dup (p.Leu976_Leu977insProLeu)

Gene: TAOK2 (TAO kinase 2; plus strand). Cytogenetic location: 16p11.2.
Variant type: Duplication.
Coding change: c.2919_2924dup on transcript NM_016151.4 (MANE Select); coding-DNA positions 2919 to 2924, 6 bases duplicated (GCTTCC; older notation c.2919_2924dupGCTTCC).
Protein change: p.Leu976_Leu977insProLeu.
Molecular consequence: intron variant (on NM_004783.4).
Genome position (GRCh38, 1-based): chr16:29,987,191-29,987,196, GCTTCC duplicated. VCF-style (leftmost placement, unchanged base first): chr16-29987190-T-TGCTTCC. GRCh37 (hg19) VCF-style: chr16-29998511-T-TGCTTCC.
Other names: c.2580_2585dup, p.Leu863_Leu864insProLeu (NM_001252043.2); c.2232+687_2232+692dup (NM_004783.4).
Identifiers: ClinVar variation 3677593 (VCV003677593.2).

ClinVar aggregate classification (germline): Uncertain significance (1 of 4 stars; one submission).

Submission:

Labcorp Genetics (formerly Invitae), Labcorp
Classification: Uncertain significance. Last evaluated: 2024-09-06. Review status: criteria provided, single submitter. Criteria: Invitae Variant Classification Sherloc (09022015). Collection method: clinical testing. Allele origin: germline.
Comment: This variant, c.2919_2924dup, results in the insertion of 2 amino acid(s) of the TAOK2 protein (p.Pro975_Leu976dup), but otherwise preserves the integrity of the reading frame. This variant is not present in population databases (gnomAD no frequency). This variant has not been reported in the literature in individuals affected with TAOK2-related conditions. In summary, the available evidence is currently insufficient to determine the role of this variant in disease. Therefore, it has been classified as a Variant of Uncertain Significance.